The following is an entry in ClinVar:

ClinVar aggregate classification (germline): Uncertain significance (1 of 4 stars; one submission).

Allele frequency attached by ClinVar (database versions not stated): ExAC 0.00002; gnomAD exomes 0.00002; TOPMed 0.00003; gnomAD 0.00006; ESP Exome Variant Server 0.00008.
gnomAD v4.1: 37 of 1,613,924 alleles (0.0023%); highest among the groups gnomAD compares: Non-Finnish European, 0.0026%; no homozygotes.

Submission:

Labcorp Genetics (formerly Invitae), Labcorp
Classification: Uncertain significance. Last evaluated: 2024-02-17. Review status: criteria provided, single submitter. Criteria: Invitae Variant Classification Sherloc (09022015). Collection method: clinical testing. Allele origin: germline.
Comment: This sequence change replaces leucine, which is neutral and non-polar, with proline, which is neutral and non-polar, at codon 1363 of the COL7A1 protein (p.Leu1363Pro). This variant is present in population databases (rs142651984, gnomAD 0.004%). This variant has not been reported in the literature in individuals affected with COL7A1-related conditions. ClinVar contains an entry for this variant (Variation ID: 2163688). Advanced modeling of protein sequence and biophysical properties (such as structural, functional, and spatial information, amino acid conservation, physicochemical variation, residue mobility, and thermodynamic stability) performed at Invitae indicates that this missense variant is not expected to disrupt COL7A1 protein function with a negative predictive value of 95%. In summary, the available evidence is currently insufficient to determine the role of this variant in disease. Therefore, it has been classified as a Variant of Uncertain Significance.

NM_000094.4(COL7A1):c.4088T>C (p.Leu1363Pro)

Gene: COL7A1 (collagen type VII alpha 1 chain; minus strand). Cytogenetic location: 3p21.31.
Variant type: single nucleotide variant.
Coding change: c.4088T>C on transcript NM_000094.4 (MANE Select); coding-DNA position 4088, T replaced by C.
Protein change: p.Leu1363Pro; replaces leucine 1363 with proline.
Molecular consequence: missense variant.
Genome position (GRCh38, 1-based): chr3:48,584,516, A>G on the plus strand (T>C on the coding strand, the complement: COL7A1 is on the minus strand). VCF-style: chr3-48584516-A-G. GRCh37 (hg19) VCF-style: chr3-48621949-A-G.
Other names: short protein forms L1363P.
Identifiers: ClinVar variation 2163688 (VCV002163688.2), dbSNP rs142651984, ClinGen allele CA2380232.
Genomic context (GRCh38, chr3:48,584,516, plus strand): 5'-TCACTTGCCTCCACATACCCTGCACTTACCGATGGTCCAGGGTCCCCTTTCCGCCCAGGA[A>G]GCCCAGGTCCTTCACCTCCGATGACTTGTCCGGGAGCCCCCTGTAAGGACAGAGAGCAGT-3'
Protein context (NP_000085.1, residues 1353-1373): GQVIGGEGPG[Leu1363Pro]PGRKGDPGPS